The following is an entry in ClinVar:

NM_198578.4(LRRK2):c.2996C>T (p.Ala999Val)

Gene: LRRK2 (leucine rich repeat kinase 2; plus strand). Cytogenetic location: 12q12.
Variant type: single nucleotide variant.
Coding change: c.2996C>T on transcript NM_198578.4 (MANE Select); coding-DNA position 2996, C replaced by T.
Protein change: p.Ala999Val; replaces alanine 999 with valine.
Molecular consequence: missense variant.
Genome position (GRCh38, 1-based): chr12:40,295,544, C>T. VCF-style: chr12-40295544-C-T. GRCh37 (hg19) VCF-style: chr12-40689346-C-T.
Other names: short protein forms A999V.
Identifiers: ClinVar variation 1798575 (VCV001798575.2), dbSNP rs1302295414, ClinGen allele CA384412777.
Genomic context (GRCh38, chr12:40,295,544, plus strand): 5'-CTGAGAGAGAATATATTACATCACTAGACCTTTCAGCAAATGAACTAAGAGATATTGATG[C>T]CCTAAGCCAGAAATGCTGTATAAGTGTTCATTTGGAGCATCTTGAAAAGCTGGAGCTTCA-3'
Protein context (NP_940980.4, residues 989-1009): LSANELRDID[Ala999Val]LSQKCCISVH

ClinVar aggregate classification (germline): Uncertain significance (1 of 4 stars; one submission).

Conditions:
Inborn genetic diseases. Identifiers: MedGen C0950123, MeSH D030342.

gnomAD v4.1: 4 of 1,613,934 alleles (0.00025%); highest among the groups gnomAD compares: Admixed American, 0.0033%; no homozygotes.

Submission:

Ambry Genetics
Classification: Uncertain significance for Inborn genetic diseases. Last evaluated: 2023-09-16. Review status: criteria provided, single submitter. Criteria: Ambry Variant Classification Scheme 2023. Collection method: clinical testing. Allele origin: germline.
Comment: The p.A999V variant (also known as c.2996C>T), located in coding exon 23 of the LRRK2 gene, results from a C to T substitution at nucleotide position 2996. The alanine at codon 999 is replaced by valine, an amino acid with similar properties. This amino acid position is conserved. In addition, this alteration is predicted to be tolerated by in silico analysis. Since supporting evidence is limited at this time, the clinical significance of this alteration remains unclear.